The following is an entry in ClinVar:

ClinVar aggregate classification (germline): Conflicting classifications of pathogenicity. Review status: criteria provided, conflicting classifications (1 of 4 stars). 15 submissions from 15 submitters: Uncertain significance (1); Benign (4); Likely benign (5). 5 of the submissions do not count toward it. Last evaluated 2026-02-03.

Conditions:
Cardiovascular phenotype. Identifiers: MedGen CN230736.
Cardiomyopathy (CMYO). Also called: Cardiomyopathies. Identifiers: Orphanet 167848, MedGen C0878544, MONDO:0004994, HP:0001638. Inheritance: Various modes of inheritance.
Dilated cardiomyopathy 1AA (CMD1AA). Also called: CARDIOMYOPATHY, DILATED, 1AA, WITH OR WITHOUT LEFT VENTRICULAR NONCOMPACTION; CARDIOMYOPATHY, FAMILIAL HYPERTROPHIC, 23, WITH OR WITHOUT LEFT VENTRICULAR NONCOMPACTION; Cardiomyopathy, dilated, 1AA, with or without LVNC. Identifiers: Orphanet 154, MedGen C2677338, MONDO:0012808, OMIM 612158.
Primary familial hypertrophic cardiomyopathy (HCM). Identifiers: Orphanet 99739, MedGen C0949658, MeSH D024741, MONDO:0024573. Inheritance: Various modes of inheritance.

Allele frequency attached by ClinVar (database versions not stated): 1000 Genomes Project 30x 0.00031; ESP Exome Variant Server 0.00038; TOPMed 0.00053; gnomAD 0.00054.
gnomAD v4.1: 1,201 of 1,614,222 alleles (0.074%); highest among the groups gnomAD compares: Non-Finnish European, 0.096%; 4 homozygotes.

Submissions (15):

Labcorp Genetics (formerly Invitae), Labcorp
Classification: Benign for Primary familial hypertrophic cardiomyopathy; Dilated cardiomyopathy 1AA. Last evaluated: 2026-02-03. Review status: criteria provided, single submitter. Criteria: Invitae Variant Classification Sherloc (09022015). Collection method: clinical testing. Allele origin: germline.

Molecular Diagnostic Laboratory for Inherited Cardiovascular Disease, Montreal Heart Institute
Classification: Likely benign. Last evaluated: 2025-04-09. Review status: criteria provided, single submitter. Criteria: ACMG Guidelines, 2015. Collection method: clinical testing. Allele origin: germline. Affected: no.

Women's Health and Genetics/Laboratory Corporation of America, LabCorp
Classification: Benign. Last evaluated: 2024-12-06. Review status: criteria provided, single submitter. Criteria: LabCorp Variant Classification Summary - May 2015. Collection method: clinical testing. Allele origin: germline.

Blueprint Genetics
Classification: Likely benign. Last evaluated: 2024-11-24. Review status: criteria provided, single submitter. Criteria: ACMG Guidelines, 2015. Collection method: clinical testing. Allele origin: germline.

CeGaT Center for Human Genetics Tuebingen
Classification: Likely benign. Last evaluated: 2023-12-01. Review status: criteria provided, single submitter. Criteria: CeGaT Center For Human Genetics Tuebingen Variant Classification Criteria Version 2. Collection method: clinical testing. Allele origin: germline. Affected: yes. Observed: 3 variant alleles.
Comment: ACTN2: BP4, BP7

CHEO Genetics Diagnostic Laboratory, Children's Hospital of Eastern Ontario
Classification: Benign for Cardiomyopathy. Last evaluated: 2018-07-30. Review status: criteria provided, single submitter. Criteria: ACMG Guidelines, 2015. Collection method: clinical testing. Allele origin: germline.

Illumina Laboratory Services, Illumina
Classification: Uncertain significance for Dilated cardiomyopathy 1AA. Last evaluated: 2018-01-13. Review status: criteria provided, single submitter. Criteria: ICSL Variant Classification Criteria 13 December 2019. Collection method: clinical testing. Allele origin: germline.

Ambry Genetics
Classification: Likely benign for Cardiovascular phenotype. Last evaluated: 2016-05-18. Review status: criteria provided, single submitter. Criteria: Ambry Variant Classification Scheme 2023. Collection method: clinical testing. Allele origin: germline.

Laboratory for Molecular Medicine, Mass General Brigham Personalized Medicine
Classification: Likely benign. Last evaluated: 2015-07-02. Review status: criteria provided, single submitter. Criteria: LMM Criteria. Collection method: clinical testing. Allele origin: germline. Observed: 5 variant alleles.
Comment: p.Gln484Gln in exon 13 of ACTN2: This variant is not expected to have clinical s ignificance because it does not alter an amino acid residue and is not located w ithin the splice consensus sequence. It has been identified in 0.1% (66/66290) o f European chromosomes by the Exome Aggregation Consortium (ExAC; dbSNP rs200529923).

GeneDx
Classification: Benign. Last evaluated: 2013-09-13. Review status: criteria provided, single submitter. Criteria: GeneDx Variant Classification (06012015). Collection method: clinical testing. Allele origin: germline. Affected: yes.
Comment: This variant is considered likely benign or benign based on one or more of the following criteria: it is a conservative change, it occurs at a poorly conserved position in the protein, it is predicted to be benign by multiple in silico algorithms, and/or has population frequency not consistent with disease.

Clinical Genetics DNA and cytogenetics Diagnostics Lab, Erasmus MC, Erasmus Medical Center
Classification: Likely benign. Review status: no assertion criteria provided. Collection method: clinical testing. Allele origin: germline. Affected: yes. Study: VKGL Data-share Consensus. Not counted in ClinVar's aggregate classification.

Clinical Genetics, Academic Medical Center
Classification: Benign. Review status: no assertion criteria provided. Collection method: clinical testing. Allele origin: germline. Affected: yes. Study: VKGL Data-share Consensus. Not counted in ClinVar's aggregate classification.

Diagnostic Laboratory, Department of Genetics, University Medical Center Groningen
Classification: Likely benign for Dilated cardiomyopathy 1AA. Review status: no assertion criteria provided. Collection method: clinical testing. Allele origin: germline. Affected: yes. Study: VKGL Data-share Consensus. Not counted in ClinVar's aggregate classification.

Genome Diagnostics Laboratory, University Medical Center Utrecht
Classification: Likely benign. Review status: no assertion criteria provided. Collection method: clinical testing. Allele origin: germline. Affected: yes. Study: VKGL Data-share Consensus. Not counted in ClinVar's aggregate classification.

Joint Genome Diagnostic Labs from Nijmegen and Maastricht, Radboudumc and MUMC+
Classification: Likely benign. Review status: no assertion criteria provided. Collection method: clinical testing. Allele origin: germline. Affected: yes. Study: VKGL Data-share Consensus. Not counted in ClinVar's aggregate classification.

NM_001103.4(ACTN2):c.1452G>A (p.Gln484=)

Gene: ACTN2 (actinin alpha 2; plus strand). Cytogenetic location: 1q43.
Variant type: single nucleotide variant.
Coding change: c.1452G>A on transcript NM_001103.4 (MANE Select); coding-DNA position 1452, G replaced by A.
Protein change: p.Gln484=; no amino-acid change (glutamine 484 retained).
Molecular consequence: synonymous variant.
Genome position (GRCh38, 1-based): chr1:236,747,712, G>A. VCF-style: chr1-236747712-G-A. GRCh37 (hg19) VCF-style: chr1-236911012-G-A.
Other names: p.Q484Q:CAG>CAA; c.1452G>A, p.Gln484= (NM_001278343.2); c.828G>A, p.Gln276= (NM_001278344.2).
Identifiers: ClinVar variation 43909 (VCV000043909.65), dbSNP rs200529923, ClinGen allele CA133137.